The following is an entry in ClinVar:

ClinVar aggregate classification (germline): Conflicting classifications of pathogenicity. Review status: criteria provided, conflicting classifications (1 of 4 stars). 10 submissions from 9 submitters: Uncertain significance (9); Likely benign (1). Last evaluated 2026-08-18.

Conditions:
WHRN-related disorder. Also called: WHRN-related condition.
Autosomal recessive nonsyndromic hearing loss 31. Also called: WHIRLER, MOUSE, HOMOLOG OF. Identifiers: Orphanet 90636, MedGen C1846839, MONDO:0011767, OMIM 607084.
Usher syndrome type 2D. Also called: USHER SYNDROME, TYPE IID. Identifiers: Orphanet 231178, Orphanet 886, MedGen C1568249, MONDO:0012662, OMIM 611383.
Hearing impairment. Also called: Impaired Hearing. Identifiers: MedGen C1384666, MONDO:0005365, HP:0000365.

Allele frequency attached by ClinVar (database versions not stated): 1000 Genomes Project 30x 0.00016; 1000 Genomes Project 0.00020; ExAC 0.00026; gnomAD exomes 0.00029; TOPMed 0.00045; ESP Exome Variant Server 0.00046; gnomAD 0.00052.
gnomAD v4.1: 1,188 of 1,612,392 alleles (0.074%); highest among the groups gnomAD compares: Non-Finnish European, 0.097%; 3 homozygotes.

Submissions (10):

PreventionGenetics, part of Exact Sciences
Classification: Uncertain significance for WHRN-related condition. Last evaluated: 2026-08-18. Review status: criteria provided, single submitter. Criteria: ACMG Guidelines, 2015. Collection method: clinical testing. Allele origin: germline.
Comment: The WHRN c.1148C>A variant is predicted to result in the amino acid substitution p.Thr383Asn. This variant, also known as c.1148C>A (p.Thr383Asn) in an alternative transcript NM_015404, has been reported in individuals with hearing loss (Aller et al. 2010. PubMed ID: 20352026; Supplemental File 1, Shearer et al. 2013. PubMed ID: 23804846; Tropitzsch et al. 2022. PubMed ID: 34753855). It has also been detected in the presence of other causative variants in other genes (Supplemental File 1, Shearer et al. 2013. PubMed ID: 23804846; Internal Data, PreventionGenetics). This variant is reported in 0.056% of alleles in individuals of European (Non-Finnish) descent in gnomAD, including three homozygotes in the larger gnomAD v4.1.1 database. Although we suspect that this variant may be benign, at this time, the clinical significance of this variant is uncertain due to the absence of conclusive functional and genetic evidence.

Women's Health and Genetics/Laboratory Corporation of America, LabCorp
Classification: Uncertain significance. Last evaluated: 2026-06-01. Review status: criteria provided, single submitter. Criteria: LabCorp Variant Classification Summary - May 2015. Collection method: clinical testing. Allele origin: germline.
Comment: Variant summary: WHRN c.1148C>A (p.Thr383Asn) results in a non-conservative amino acid change in the encoded protein sequence. Algorithms developed to predict the effect of missense changes on protein structure and function are either unavailable or do not agree on the potential impact of this missense change. The variant allele was found at a frequency of 0.00029 in 251198 control chromosomes. This frequency is not significantly higher than estimated for disease-causing variants in WHRN, allowing no conclusion about variant significance. c.1148C>A has been observed in heterozygous individual(s) affected with Usher syndrome (Aller_2010) without evidence for causality. These report(s) do not provide unequivocal conclusions about association of the variant with disease. To our knowledge, no experimental evidence demonstrating an impact on protein function has been reported. The following publication have been ascertained in the context of this evaluation (PMID: 20352026). ClinVar contains an entry for this variant (Variation ID: 163051). Based on the evidence outlined above, the variant was classified as uncertain significance.

GeneDx
Classification: Uncertain significance. Last evaluated: 2025-09-17. Review status: criteria provided, single submitter. Criteria: GeneDx Variant Classification Process June 2021. Collection method: clinical testing. Allele origin: germline. Affected: yes.
Comment: Observed in patients with hearing loss or Usher syndrome in published literature; however, these patients either harbored variants in other genes or had no specific information provided (PMID: 23804846, 20352026); In silico analysis suggests that this missense variant does not alter protein structure/function; This variant is associated with the following publications: (PMID: 22135276, 20352026, 30245029, 23804846, 34753855)

Blueprint Genetics
Classification: Likely benign. Last evaluated: 2024-11-14. Review status: criteria provided, single submitter. Criteria: ACMG Guidelines, 2015. Collection method: clinical testing. Allele origin: germline.

Labcorp Genetics (formerly Invitae), Labcorp
Classification: Uncertain significance. Last evaluated: 2022-08-21. Review status: criteria provided, single submitter. Criteria: Invitae Variant Classification Sherloc (09022015). Collection method: clinical testing. Allele origin: germline.
Comment: This sequence change replaces threonine, which is neutral and polar, with asparagine, which is neutral and polar, at codon 383 of the WHRN protein (p.Thr383Asn). This variant is present in population databases (rs147283064, gnomAD 0.06%). This variant has not been reported in the literature in individuals affected with WHRN-related conditions. ClinVar contains an entry for this variant (Variation ID: 163051). Algorithms developed to predict the effect of missense changes on protein structure and function output the following: SIFT: "Tolerated"; PolyPhen-2: "Benign"; Align-GVGD: "Class C0". The asparagine amino acid residue is found in multiple mammalian species, which suggests that this missense change does not adversely affect protein function. In summary, the available evidence is currently insufficient to determine the role of this variant in disease. Therefore, it has been classified as a Variant of Uncertain Significance.

Fulgent Genetics
Classification: Uncertain significance for Autosomal recessive nonsyndromic hearing loss 31; Usher syndrome type 2D. Last evaluated: 2021-08-27. Review status: criteria provided, single submitter. Criteria: ACMG Guidelines, 2015. Collection method: clinical testing. Allele origin: unknown.

Department of Otolaryngology – Head & Neck Surgery, Cochlear Implant Center
Classification: Uncertain significance for Hearing impairment. Last evaluated: 2021-04-12. Review status: criteria provided, single submitter. Criteria: ClinGen HL ACMG Specifications v1. Collection method: clinical testing. Allele origin: germline. Affected: yes.
Comment: PM2_Moderate, BP4_Supporting

Illumina Laboratory Services, Illumina
Classification: Uncertain significance for Usher syndrome type 2D. Last evaluated: 2017-04-27. Review status: criteria provided, single submitter. Criteria: ICSL Variant Classification Criteria 13 December 2019. Collection method: clinical testing. Allele origin: germline.
Comment: This variant was observed as part of a predisposition screen in an ostensibly healthy population. A literature search was performed for the gene, cDNA change, and amino acid change (where applicable). Publications were found based on this search. However, the evidence from the literature, in combination with allele frequency data from public databases where available, was not sufficient to rule this variant in or out of causing disease. Therefore, this variant is classified as a variant of unknown significance.

Illumina Laboratory Services, Illumina
Classification: Uncertain significance for Autosomal recessive nonsyndromic hearing loss 31. Last evaluated: 2017-04-27. Review status: criteria provided, single submitter. Criteria: ICSL Variant Classification Criteria 13 December 2019. Collection method: clinical testing. Allele origin: germline.

Laboratory for Molecular Medicine, Mass General Brigham Personalized Medicine
Classification: Uncertain significance. Last evaluated: 2017-03-26. Review status: criteria provided, single submitter. Criteria: LMM Criteria. Collection method: clinical testing. Allele origin: germline. Observed: 3 variant alleles.
Comment: Variant classified as Uncertain Significance - Favor Benign. The p.Thr383Asn var iant in DFNB31 has been reported in four individuals with hearing loss and retin itis pigmentosa (Aller 2010; LOVD, ier & Le Quesne Stabej 2012; LMM data) and two individuals with hearing loss (Sh earer 2013 and LMM data). However, a second DFNB31 variant was not identified in any of the six individuals, and two individuals harbored pathogenic variants in different genes that were sufficient to explain the patient's clinical features (Shearer 2013; LOVD, & Le Quesn e Stabej 2012). This variant has been identified in 73/126514 European Genome A ggregation Database (gnomAD; dbSNP rs147283064 ); however this frequency is not high enough to rule out a pathogenic role. Thre onine (Thr) at position 383 is not conserved in mammals or evolutionarily distan t species, and 2 mammals (Chinese hamster and golden hamster) carry an asparagin e (Asn), supporting that this change may be tolerated. Additional computational prediction tools are limited or unavailable for this variant. In summary, while the clinical significance of the p.Thr383Asn variant is uncertain, the absence o f a second DFNB31 variant in affected individuals carrying this variant, its pre sence in the general population, and the conservation data supporting an unlikel y impact to the protein, suggest that it is more likely to be benign.

Literature cited by the submitters: PubMed 20352026 (cited by 3 submitters); PubMed 23804846 (cited by Laboratory for Molecular Medicine, Mass General Brigham Personalized Medicine); PubMed 22135276 (cited by Laboratory for Molecular Medicine, Mass General Brigham Personalized Medicine).

NM_015404.4(WHRN):c.1148C>A (p.Thr383Asn)

Gene: WHRN (whirlin; minus strand). Cytogenetic location: 9q32.
Variant type: single nucleotide variant.
Coding change: c.1148C>A on transcript NM_015404.4 (MANE Select); coding-DNA position 1148, C replaced by A.
Protein change: p.Thr383Asn; replaces threonine 383 with asparagine.
Molecular consequence: missense variant. On other transcripts: 5 prime UTR variant (1).
Genome position (GRCh38, 1-based): chr9:114,426,229, G>T on the plus strand (C>A on the coding strand, the complement: WHRN is on the minus strand). VCF-style: chr9-114426229-G-T. GRCh37 (hg19) VCF-style: chr9-117188509-G-T.
Other names: c.-2C>A (NM_001083885.3); c.1148C>A, p.Thr383Asn (NM_001173425.2); short protein forms T383N.
Identifiers: ClinVar variation 163051 (VCV000163051.26), dbSNP rs147283064, ClinGen allele CA175641.